The following is an entry in ClinVar:

NM_014991.6(WDFY3):c.3526C>A (p.Leu1176Ile)

Gene: WDFY3 (WD repeat and FYVE domain containing 3; minus strand). Cytogenetic location: 4q21.23.
Variant type: single nucleotide variant.
Coding change: c.3526C>A on transcript NM_014991.6 (MANE Select); coding-DNA position 3526, C replaced by A.
Protein change: p.Leu1176Ile; replaces leucine 1176 with isoleucine.
Molecular consequence: missense variant.
Genome position (GRCh38, 1-based): chr4:84,789,869, G>T on the plus strand (C>A on the coding strand, the complement: WDFY3 is on the minus strand). VCF-style: chr4-84789869-G-T. GRCh37 (hg19) VCF-style: chr4-85711022-G-T.
Other names: short protein forms L1176I.
Identifiers: ClinVar variation 3375635 (VCV003375635.1).

ClinVar aggregate classification (germline): Uncertain significance (1 of 4 stars; one submission).

Submission:

GeneDx
Classification: Uncertain significance. Last evaluated: 2024-05-10. Review status: criteria provided, single submitter. Criteria: GeneDx Variant Classification Process June 2021. Collection method: clinical testing. Allele origin: germline. Affected: yes.
Comment: Not observed at significant frequency in large population cohorts (gnomAD); In silico analysis indicates that this missense variant does not alter protein structure/function; Has not been previously published as pathogenic or benign to our knowledge